The following is an entry in ClinVar:

ClinVar aggregate classification (germline): Uncertain significance (1 of 4 stars; one submission).

gnomAD v4.1: 1 of 1,613,534 alleles (0.000062%); highest among the groups gnomAD compares: Non-Finnish European, 0.000085%; no homozygotes.

Submission:

Labcorp Genetics (formerly Invitae), Labcorp
Classification: Uncertain significance. Last evaluated: 2024-09-26. Review status: criteria provided, single submitter. Criteria: Invitae Variant Classification Sherloc (09022015). Collection method: clinical testing. Allele origin: germline.
Comment: This sequence change replaces valine, which is neutral and non-polar, with glycine, which is neutral and non-polar, at codon 1676 of the SPTBN1 protein (p.Val1676Gly). This variant is not present in population databases (gnomAD no frequency). This variant has not been reported in the literature in individuals affected with SPTBN1-related conditions. Invitae Evidence Modeling of protein sequence and biophysical properties (such as structural, functional, and spatial information, amino acid conservation, physicochemical variation, residue mobility, and thermodynamic stability) indicates that this missense variant is not expected to disrupt SPTBN1 protein function with a negative predictive value of 80%. In summary, the available evidence is currently insufficient to determine the role of this variant in disease. Therefore, it has been classified as a Variant of Uncertain Significance.

NM_003128.3(SPTBN1):c.5027T>G (p.Val1676Gly)

Gene: SPTBN1 (spectrin beta, non-erythrocytic 1; plus strand). Cytogenetic location: 2p16.2.
Variant type: single nucleotide variant.
Coding change: c.5027T>G on transcript NM_003128.3 (MANE Select); coding-DNA position 5027, T replaced by G.
Protein change: p.Val1676Gly; replaces valine 1676 with glycine.
Molecular consequence: missense variant.
Genome position (GRCh38, 1-based): chr2:54,649,015, T>G. VCF-style: chr2-54649015-T-G. GRCh37 (hg19) VCF-style: chr2-54876152-T-G.
Other names: c.4988T>G, p.Val1663Gly (NM_178313.3); short protein forms V1676G, V1663G.
Identifiers: ClinVar variation 3665334 (VCV003665334.2).